The following is an entry in ClinVar:

ClinVar aggregate classification (germline): Uncertain significance (1 of 4 stars; one submission).

Conditions:
Autosomal recessive limb-girdle muscular dystrophy type 2W (MDRCMTT). Also called: Muscular dystrophy, autosomal recessive, with cardiomyopathy and triangular tongue; Muscular dystrophy, limb-girdle, type 2W. Identifiers: MedGen C4225192, MONDO:0014788, OMIM 616827.

Submission:

Labcorp Genetics (formerly Invitae), Labcorp
Classification: Uncertain significance for Muscular dystrophy, limb-girdle, type 2W. Last evaluated: 2018-10-25. Review status: criteria provided, single submitter. Criteria: Invitae Variant Classification Sherloc (09022015). Collection method: clinical testing. Allele origin: germline.
Comment: This sequence change falls in intron 5 of the LIMS2 gene. It does not directly change the encoded amino acid sequence of the LIMS2 protein, but it affects a nucleotide within the consensus splice site of the intron. This variant is not present in population databases (ExAC no frequency). This variant has not been reported in the literature in individuals with LIMS2-related disease. Nucleotide substitutions within the consensus splice site are a relatively common cause of aberrant splicing (PMID: 17576681, 9536098). Algorithms developed to predict the effect of sequence changes on RNA splicing suggest that this variant may disrupt the consensus splice site, but this prediction has not been confirmed by published transcriptional studies. In summary, the available evidence is currently insufficient to determine the role of this variant in disease. Therefore, it has been classified as a Variant of Uncertain Significance.

NM_001161403.3(LIMS2):c.509+3A>G

Gene: LIMS2 (LIM zinc finger domain containing 2; minus strand). Cytogenetic location: 2q14.3.
Variant type: single nucleotide variant.
Coding change: c.509+3A>G on transcript NM_001161403.3 (MANE Select); 3 bases into the intron after coding-DNA position 509, A replaced by G.
Molecular consequence: intron variant.
Genome position (GRCh38, 1-based): chr2:127,642,920, T>C on the plus strand (A>G on the coding strand, the complement: LIMS2 is on the minus strand). VCF-style: chr2-127642920-T-C. GRCh37 (hg19) VCF-style: chr2-128400495-T-C.
Other names: c.494+3A>G (NM_001161404.2); c.575+3A>G (NM_001136037.4); c.581+3A>G (NM_017980.5); c.53+3A>G (NM_001256542.2).
Identifiers: ClinVar variation 643906 (VCV000643906.1), dbSNP rs746495081, ClinGen allele CA915942787.